The following is an entry in ClinVar:

NM_001199397.3(NEK1):c.3581C>A (p.Ser1194Ter)

Gene: NEK1 (NIMA related kinase 1; minus strand). Cytogenetic location: 4q33.
Variant type: single nucleotide variant.
Coding change: c.3581C>A on transcript NM_001199397.3 (MANE Select); coding-DNA position 3581, C replaced by A.
Protein change: p.Ser1194Ter; replaces serine 1194 with a stop codon.
Molecular consequence: nonsense. On other transcripts: non-coding transcript variant (1).
Genome position (GRCh38, 1-based): chr4:169,401,654, G>T on the plus strand (C>A on the coding strand, the complement: NEK1 is on the minus strand). VCF-style: chr4-169401654-G-T. GRCh37 (hg19) VCF-style: chr4-170322805-G-T.
Other names: c.3449C>A, p.Ser1150Ter (NM_001199398.3); c.3290C>A, p.Ser1097Ter (NM_001199399.3); c.3365C>A, p.Ser1122Ter (NM_001199400.3); c.3581C>A, p.Ser1194Ter (NM_001374418.1); c.3497C>A, p.Ser1166Ter (NM_001374419.1, NM_012224.4); c.3446C>A, p.Ser1149Ter (NM_001374420.1); c.3098C>A, p.Ser1033Ter (NM_001374421.1); short protein forms S1033*, S1097*, S1122*, S1149*, S1150*, S1166*, S1194*.
Identifiers: ClinVar variation 2127401 (VCV002127401.4), dbSNP rs1406951209, ClinGen allele CA358800277.
Genomic context (GRCh38, chr4:169,401,654, plus strand): 5'-TCTACTTGAAATATTTGTAAACTGAAAAAGAAAAAGGTCCAAAACTCTGATCATGCACCT[G>T]AGTGCCATTCTTCGTTCAGGGCACTTTCACTGCTGGGATTGTCATCTTCATCTGCCACAT-3'

ClinVar aggregate classification (germline): Pathogenic (1 of 4 stars; one submission).

Conditions:
Short-rib thoracic dysplasia 6 with or without polydactyly (SRTD6). Also called: SHORT RIB-POLYDACTYLY SYNDROME, TYPE IIA; POLYDACTYLY WITH NEONATAL CHONDRODYSTROPHY, TYPE II; Majewski Syndrome; SHORT-RIB THORACIC DYSPLASIA 6 WITH POLYDACTYLY; SHORT-RIB THORACIC DYSPLASIA 6 WITHOUT POLYDACTYLY. Identifiers: MedGen C0024507, MONDO:0009894, OMIM 263520.

Submission:

Labcorp Genetics (formerly Invitae), Labcorp
Classification: Pathogenic for Short-rib thoracic dysplasia 6 with or without polydactyly. Last evaluated: 2022-04-17. Review status: criteria provided, single submitter. Criteria: Invitae Variant Classification Sherloc (09022015). Collection method: clinical testing. Allele origin: germline.
Comment: This variant is not present in population databases (gnomAD no frequency). This sequence change creates a premature translational stop signal (p.Ser1166*) in the NEK1 gene. It is expected to result in an absent or disrupted protein product. Loss-of-function variants in NEK1 are known to be pathogenic (PMID: 22499340, 29068549). This variant has not been reported in the literature in individuals affected with NEK1-related conditions. For these reasons, this variant has been classified as Pathogenic.

Literature cited by the submitters: PubMed 22499340; PubMed 29068549.